The following is an entry in ClinVar:

ClinVar aggregate classification (germline): Uncertain significance. Review status: criteria provided, multiple submitters, no conflicts (2 of 4 stars). 5 submissions from 5 submitters: Uncertain significance (2). 3 of the submissions do not count toward it. Last evaluated 2025-02-11.

Conditions:
Congenital heart disease (CHD). Identifiers: MedGen C0152021, MONDO:0005453. Disease mechanism: unknown.
Arrhythmogenic right ventricular dysplasia 13. Also called: Arrhythmogenic right ventricular dysplasia, familial, 13; ARRHYTHMOGENIC RIGHT VENTRICULAR CARDIOMYOPATHY 13. Identifiers: MedGen C3810138, MONDO:0000908, OMIM 615616.

Allele frequency attached by ClinVar (database versions not stated): gnomAD exomes 0.00001 and 0.00002; TOPMed 0.00001; ExAC 0.00002.
gnomAD v4.1: 23 of 1,613,236 alleles (0.0014%); highest among the groups gnomAD compares: Non-Finnish European, 0.0018%; no homozygotes.

Submissions (5):

Labcorp Genetics (formerly Invitae), Labcorp
Classification: Uncertain significance for Arrhythmogenic right ventricular dysplasia 13. Last evaluated: 2025-02-11. Review status: criteria provided, single submitter. Criteria: Invitae Variant Classification Sherloc (09022015). Collection method: clinical testing. Allele origin: germline.
Comment: This sequence change replaces valine, which is neutral and non-polar, with methionine, which is neutral and non-polar, at codon 23 of the CTNNA3 protein (p.Val23Met). This variant is present in population databases (rs776250185, gnomAD 0.004%). This missense change has been observed in individual(s) with dilated cardiomyopathy (PMID: 32880476). ClinVar contains an entry for this variant (Variation ID: 962141). Invitae Evidence Modeling of protein sequence and biophysical properties (such as structural, functional, and spatial information, amino acid conservation, physicochemical variation, residue mobility, and thermodynamic stability) indicates that this missense variant is not expected to disrupt CTNNA3 protein function with a negative predictive value of 80%. In summary, the available evidence is currently insufficient to determine the role of this variant in disease. Therefore, it has been classified as a Variant of Uncertain Significance.

Department of Pathology and Laboratory Medicine, Sinai Health System
Classification: Uncertain significance for congenital heart disease. Last evaluated: 2022-07-26. Review status: criteria provided, single submitter. Criteria: ACMG Guidelines, 2015. Collection method: research. Allele origin: germline.

Clinical Genetics DNA and cytogenetics Diagnostics Lab, Erasmus MC, Erasmus Medical Center
Classification: Uncertain significance. Review status: no assertion criteria provided. Collection method: clinical testing. Allele origin: germline. Affected: yes. Study: VKGL Data-share Consensus. Not counted in ClinVar's aggregate classification.

Genome Diagnostics Laboratory, University Medical Center Utrecht
Classification: Uncertain significance. Review status: no assertion criteria provided. Collection method: clinical testing. Allele origin: germline. Affected: yes. Study: VKGL Data-share Consensus. Not counted in ClinVar's aggregate classification.

Joint Genome Diagnostic Labs from Nijmegen and Maastricht, Radboudumc and MUMC+
Classification: Uncertain significance. Review status: no assertion criteria provided. Collection method: clinical testing. Allele origin: germline. Affected: yes. Study: VKGL Data-share Consensus. Not counted in ClinVar's aggregate classification.

Literature cited by the submitters: PubMed 32880476 (cited by Labcorp Genetics (formerly Invitae), Labcorp).

NM_013266.4(CTNNA3):c.67G>A (p.Val23Met)

Gene: CTNNA3 (catenin alpha 3; minus strand). Cytogenetic location: 10q21.3.
Variant type: single nucleotide variant.
Coding change: c.67G>A on transcript NM_013266.4 (MANE Select); coding-DNA position 67, G replaced by A.
Protein change: p.Val23Met; replaces valine 23 with methionine.
Molecular consequence: missense variant.
Genome position (GRCh38, 1-based): chr10:67,647,447, C>T on the plus strand (G>A on the coding strand, the complement: CTNNA3 is on the minus strand). VCF-style: chr10-67647447-C-T. GRCh37 (hg19) VCF-style: chr10-69407205-C-T.
Other names: c.67G>A, p.Val23Met (NM_001127384.3); c.103G>A, p.Val35Met (NM_001291133.2); short protein forms V35M, V23M.
Identifiers: ClinVar variation 962141 (VCV000962141.10), dbSNP rs776250185, ClinGen allele CA5520720.